The following is an entry in ClinVar:

NM_020778.5(ALPK3):c.1061C>T (p.Ser354Phe)

Gene: ALPK3 (alpha kinase 3; plus strand). Cytogenetic location: 15q25.3.
Variant type: single nucleotide variant.
Coding change: c.1061C>T on transcript NM_020778.5 (MANE Select); coding-DNA position 1061, C replaced by T.
Protein change: p.Ser354Phe; replaces serine 354 with phenylalanine.
Molecular consequence: missense variant.
Genome position (GRCh38, 1-based): chr15:84,840,340, C>T. VCF-style: chr15-84840340-C-T. GRCh37 (hg19) VCF-style: chr15-85383571-C-T.
Other names: c.1667C>T (NM_020778.4); short protein forms S354F.
Identifiers: ClinVar variation 2170036 (VCV002170036.6), dbSNP rs1321858368, ClinGen allele CA393374290.

ClinVar aggregate classification (germline): Uncertain significance. Review status: criteria provided, multiple submitters, no conflicts (2 of 4 stars). 2 submissions from 2 submitters: Uncertain significance (2). Last evaluated 2025-06-24.

Conditions:
Cardiovascular phenotype. Identifiers: MedGen CN230736.

Allele frequency attached by ClinVar (database versions not stated): gnomAD exomes below 0.00001; TOPMed below 0.00001; gnomAD 0.00001.
gnomAD v4.1: 2 of 1,613,706 alleles (0.00012%); highest among the groups gnomAD compares: East Asian, 0.0045%; no homozygotes.

Submissions (2):

Labcorp Genetics (formerly Invitae), Labcorp
Classification: Uncertain significance. Last evaluated: 2025-06-24. Review status: criteria provided, single submitter. Criteria: Invitae Variant Classification Sherloc (09022015). Collection method: clinical testing. Allele origin: germline.
Comment: This sequence change replaces serine, which is neutral and polar, with phenylalanine, which is neutral and non-polar, at codon 556 of the ALPK3 protein (p.Ser556Phe). This variant is present in population databases (no rsID available, gnomAD 0.06%). This variant has not been reported in the literature in individuals affected with ALPK3-related conditions. ClinVar contains an entry for this variant (Variation ID: 2170036). An algorithm developed to predict the effect of missense changes on protein structure and function (PolyPhen-2) suggests that this variant is likely to be disruptive. In summary, the available evidence is currently insufficient to determine the role of this variant in disease. Therefore, it has been classified as a Variant of Uncertain Significance.

Ambry Genetics
Classification: Uncertain significance for Cardiovascular phenotype. Last evaluated: 2022-12-18. Review status: criteria provided, single submitter. Criteria: Ambry Variant Classification Scheme 2023. Collection method: clinical testing. Allele origin: germline.
Comment: The p.S556F variant (also known as c.1667C>T), located in coding exon 5 of the ALPK3 gene, results from a C to T substitution at nucleotide position 1667. The serine at codon 556 is replaced by phenylalanine, an amino acid with highly dissimilar properties. This amino acid position is conserved. In addition, this alteration is predicted to be tolerated by in silico analysis. Since supporting evidence is limited at this time, the clinical significance of this alteration remains unclear.